The following is an entry in ClinVar:

ClinVar aggregate classification (germline): Conflicting classifications of pathogenicity. Review status: criteria provided, conflicting classifications (1 of 4 stars). 2 submissions from 2 submitters: Likely pathogenic (1); Uncertain significance (1). Last evaluated 2024-01-29.

Conditions:
X-linked Alport syndrome (ATS1). Also called: NEPHROPATHY AND DEAFNESS, X-LINKED; COL4A5-Related Nephropathy. Identifiers: Orphanet 63, Orphanet 88917, MedGen C4746986, MONDO:0010520, OMIM 301050.

gnomAD v4.1: 1 of 1,181,357 alleles (0.000085%); highest among the groups gnomAD compares: Non-Finnish European, 0.00011%; no homozygotes.

Submissions (2):

MVZ Medizinische Genetik Mainz
Classification: Likely pathogenic for X-linked Alport syndrome. Last evaluated: 2024-01-29. Review status: criteria provided, single submitter. Criteria: UK Practice Guidelines For Variant Classification V4 01 2020. Collection method: clinical testing. Allele origin: germline. Inheritance: Unknown mechanism. Affected: yes. Observed: 1 variant allele.
Comment: ACMG Criteria: PM1_STR,PM2_SUP,PP3

Blueprint Genetics
Classification: Uncertain significance. Last evaluated: 2018-10-19. Review status: criteria provided, single submitter. Criteria: ACMG Guidelines, 2015. Collection method: clinical testing. Allele origin: germline.

NM_033380.3(COL4A5):c.3800G>A (p.Gly1267Asp)

Gene: COL4A5 (collagen type IV alpha 5 chain; plus strand). Cytogenetic location: Xq22.3.
Variant type: single nucleotide variant.
Coding change: c.3800G>A on transcript NM_033380.3 (MANE Select); coding-DNA position 3800, G replaced by A.
Protein change: p.Gly1267Asp; replaces glycine 1267 with aspartic acid.
Molecular consequence: missense variant. On other transcripts: intron variant (1).
Genome position (GRCh38, 1-based): chrX:108,674,745, G>A. VCF-style: chrX-108674745-G-A. GRCh37 (hg19) VCF-style: chrX-107917975-G-A.
Other names: c.3791-2755G>A (NM_000495.5); short protein forms G1267D.
Identifiers: ClinVar variation 3774587 (VCV003774587.2).